The following is an entry in ClinVar:

NM_002137.4(HNRNPA2B1):c.581A>G (p.Asn194Ser)

Gene: HNRNPA2B1 (heterogeneous nuclear ribonucleoprotein A2/B1; minus strand). Cytogenetic location: 7p15.2.
Variant type: single nucleotide variant.
Coding change: c.581A>G on transcript NM_002137.4 (MANE Select); coding-DNA position 581, A replaced by G.
Protein change: p.Asn194Ser; replaces asparagine 194 with serine.
Molecular consequence: missense variant.
Genome position (GRCh38, 1-based): chr7:26,196,478, T>C on the plus strand (A>G on the coding strand, the complement: HNRNPA2B1 is on the minus strand). VCF-style: chr7-26196478-T-C. GRCh37 (hg19) VCF-style: chr7-26236098-T-C.
Other names: c.617A>G, p.Asn206Ser (NM_031243.4); short protein forms N206S, N194S.
Identifiers: ClinVar variation 1424612 (VCV001424612.8), dbSNP rs772251120, ClinGen allele CA4194579.

ClinVar aggregate classification (germline): Uncertain significance (1 of 4 stars; one submission).

Conditions:
Inclusion body myopathy with early-onset Paget disease with or without frontotemporal dementia 2 (IBMPFD2). Also called: MULTISYSTEM PROTEINOPATHY 2. Identifiers: MedGen C3809468, MONDO:0014178, OMIM 615422.

Allele frequency attached by ClinVar (database versions not stated): gnomAD exomes 0.00001 and 0.00002; ExAC 0.00002.
gnomAD v4.1: 14 of 1,614,108 alleles (0.00087%); highest among the groups gnomAD compares: South Asian, 0.0022%; no homozygotes.

Submission:

Labcorp Genetics (formerly Invitae), Labcorp
Classification: Uncertain significance for Inclusion body myopathy with early-onset Paget disease with or without frontotemporal dementia 2. Last evaluated: 2021-04-23. Review status: criteria provided, single submitter. Criteria: Invitae Variant Classification Sherloc (09022015). Collection method: clinical testing. Allele origin: germline.
Comment: In summary, the available evidence is currently insufficient to determine the role of this variant in disease. Therefore, it has been classified as a Variant of Uncertain Significance. Algorithms developed to predict the effect of missense changes on protein structure and function are either unavailable or do not agree on the potential impact of this missense change (SIFT: "Deleterious"; PolyPhen-2: "Not Available"; Align-GVGD: "Class C45"). This variant has not been reported in the literature in individuals with HNRNPA2B1-related conditions. This variant is present in population databases (rs772251120, ExAC 0.003%). This sequence change replaces asparagine with serine at codon 206 of the HNRNPA2B1 protein (p.Asn206Ser). The asparagine residue is highly conserved and there is a small physicochemical difference between asparagine and serine.